The following is an entry in ClinVar:

ClinVar aggregate classification (germline): Pathogenic (0 of 4 stars; one submission).

Conditions:
Spermatogenic failure 14 (SPGF14). Identifiers: MedGen C4014454, MONDO:0014366, OMIM 615842.

Submission:

Institute of Reproductive and Stem Cell Engineering, Central South University
Classification: Pathogenic for Spermatogenic failure 14. Last evaluated: 2020-10-05. Review status: no assertion criteria provided. Collection method: research. Allele origin: germline. Inheritance: Autosomal recessive inheritance. Affected: yes. Observed: 1 variant allele, 1 homozygote.
Comment: Whole-exome and Sanger sequencing to identify suspected ZMYND15 variants in the 219 unrelated Chinese patients with SO, c.1209T>A(p.Tyr403*). In silico bioinformatic analyses as well as in vivo and in vitro experiments showed that the ZMYND15 variants carried by the affected subjects might be the underling cause for their infertility.This finding expand the disease phenotype spectrum by indicating that ZMYND15 variants cause SO and male infertility.

NM_001136046.3(ZMYND15):c.1209T>A (p.Tyr403Ter)

Gene: ZMYND15 (zinc finger MYND-type containing 15; plus strand). Cytogenetic location: 17p13.2.
Variant type: single nucleotide variant.
Coding change: c.1209T>A on transcript NM_001136046.3 (MANE Select); coding-DNA position 1209, T replaced by A.
Protein change: p.Tyr403Ter; replaces tyrosine 403 with a stop codon.
Molecular consequence: nonsense.
Genome position (GRCh38, 1-based): chr17:4,743,367, T>A. VCF-style: chr17-4743367-T-A. GRCh37 (hg19) VCF-style: chr17-4646662-T-A.
Other names: c.1209T>A, p.Tyr403Ter (NM_001267822.1, NM_032265.2); short protein forms Y403*.
Identifiers: ClinVar variation 982305 (VCV000982305.2), dbSNP rs752801920, ClinGen allele CA397299619.